The following is an entry in ClinVar:

ClinVar aggregate classification (germline): Uncertain significance (1 of 4 stars; one submission).

Allele frequency attached by ClinVar (database versions not stated): gnomAD exomes below 0.00001; ExAC 0.00001; TOPMed 0.00001; gnomAD 0.00002.
gnomAD v4.1: 9 of 1,614,026 alleles (0.00056%); highest among the groups gnomAD compares: Admixed American, 0.0033%; no homozygotes.

Submission:

Labcorp Genetics (formerly Invitae), Labcorp
Classification: Uncertain significance. Last evaluated: 2022-06-22. Review status: criteria provided, single submitter. Criteria: Invitae Variant Classification Sherloc (09022015). Collection method: clinical testing. Allele origin: germline.
Comment: This sequence change replaces arginine, which is basic and polar, with glutamine, which is neutral and polar, at codon 304 of the BMP1 protein (p.Arg304Gln). This variant is present in population databases (rs770440497, gnomAD 0.006%). This variant has not been reported in the literature in individuals affected with BMP1-related conditions. Algorithms developed to predict the effect of missense changes on protein structure and function are either unavailable or do not agree on the potential impact of this missense change (SIFT: "Deleterious"; PolyPhen-2: "Benign"; Align-GVGD: "Class C35"). In summary, the available evidence is currently insufficient to determine the role of this variant in disease. Therefore, it has been classified as a Variant of Uncertain Significance.

NM_006129.5(BMP1):c.911G>A (p.Arg304Gln)

Gene: BMP1 (bone morphogenetic protein 1; plus strand). Cytogenetic location: 8p21.3.
Variant type: single nucleotide variant.
Coding change: c.911G>A on transcript NM_006129.5 (MANE Select); coding-DNA position 911, G replaced by A.
Protein change: p.Arg304Gln; replaces arginine 304 with glutamine.
Molecular consequence: missense variant. On other transcripts: non-coding transcript variant (2).
Genome position (GRCh38, 1-based): chr8:22,179,779, G>A. VCF-style: chr8-22179779-G-A. GRCh37 (hg19) VCF-style: chr8-22037292-G-A.
Other names: c.911G>A, p.Arg304Gln (NM_001199.4); short protein forms R304Q.
Identifiers: ClinVar variation 1954185 (VCV001954185.2), dbSNP rs770440497, ClinGen allele CA4664468.